The following is an entry in ClinVar:

NM_153766.3(KCNJ1):c.770G>T (p.Ser257Ile)

Gene: KCNJ1 (potassium inwardly rectifying channel subfamily J member 1; minus strand). Cytogenetic location: 11q24.3.
Variant type: single nucleotide variant.
Coding change: c.770G>T on transcript NM_153766.3 (MANE Select); coding-DNA position 770, G replaced by T.
Protein change: p.Ser257Ile; replaces serine 257 with isoleucine.
Molecular consequence: missense variant.
Genome position (GRCh38, 1-based): chr11:128,839,474, C>A on the plus strand (G>T on the coding strand, the complement: KCNJ1 is on the minus strand). VCF-style: chr11-128839474-C-A. GRCh37 (hg19) VCF-style: chr11-128709369-C-A.
Other names: c.827G>T, p.Ser276Ile (NM_000220.6); c.770G>T, p.Ser257Ile (NM_153764.3, NM_153767.4); c.821G>T, p.Ser274Ile (NM_153765.3); short protein forms S257I, S274I, S276I.
Identifiers: ClinVar variation 3359193 (VCV003359193.4).

ClinVar aggregate classification (germline): Likely pathogenic. Review status: criteria provided, single submitter (1 of 4 stars). 2 submissions from 2 submitters: Likely pathogenic (1). 1 of the submissions does not count toward it.

Conditions:
Bartter disease type 2. Also called: Bartter syndrome, type 2, antenatal; HYPERPROSTAGLANDIN E SYNDROME 2; HYPOKALEMIC ALKALOSIS WITH HYPERCALCIURIA 2, ANTENATAL. Identifiers: Orphanet 112, Orphanet 620220, MedGen C1855849, MONDO:0009424, OMIM 241200.

Submissions (2):

Juno Genomics, Hangzhou Juno Genomics, Inc
Classification: Likely pathogenic for Bartter disease type 2. Review status: criteria provided, single submitter. Criteria: ACMG Guidelines, 2015. Collection method: clinical testing. Allele origin: germline. Affected: yes.
Comment: Absent from controls (or at extremely low frequency if recessive) in Genome Aggregation Database, Exome Sequencing Project, 1000 Genomes Project, or Exome Aggregation Consortium.;Multiple lines of computational evidence support a deleterious effect on the gene or gene product (conservation, evolutionary, splicing impact, etc).;Co-segregation with disease in multiple affected family members in a gene definitively known to cause the disease.

Chinese Inherited Urolithiasis Consortium, The Affiliated Yantai Yuhuangding Hospital of Qingdao University
Classification: Likely pathogenic for Bartter disease type 2. Last evaluated: 2024-08-26. Review status: no assertion criteria provided. Collection method: clinical testing. Allele origin: maternal. Affected: yes. Observed: 1 variant allele. Not counted in ClinVar's aggregate classification.